The following is an entry in ClinVar:

NM_004612.4(TGFBR1):c.548A>G (p.Asp183Gly)

Gene: TGFBR1 (transforming growth factor beta receptor 1; plus strand). Cytogenetic location: 9q22.33.
Variant type: single nucleotide variant.
Coding change: c.548A>G on transcript NM_004612.4 (MANE Select); coding-DNA position 548, A replaced by G.
Protein change: p.Asp183Gly; replaces aspartic acid 183 with glycine.
Molecular consequence: missense variant. On other transcripts: non-coding transcript variant (4), intron variant (3).
Genome position (GRCh38, 1-based): chr9:99,132,713, A>G. VCF-style: chr9-99132713-A-G. GRCh37 (hg19) VCF-style: chr9-101894995-A-G.
Other names: c.560A>G, p.Asp187Gly (NM_001306210.2, NM_001407416.1); c.548A>G, p.Asp183Gly (NM_001407417.1, NM_001407435.1); c.353A>G, p.Asp118Gly (NM_001407418.1, NM_001407419.1, NM_001407420.1 and 1 more transcripts); c.341A>G, p.Asp114Gly (NM_001407423.1, NM_001407424.1, NM_001407425.1 and 8 more transcripts); c.302A>G, p.Asp101Gly (NM_001407436.1); c.343+3613A>G (NM_001130916.3); c.98-5146A>G (NM_001407438.1); c.98-9823A>G (NM_001407437.1); short protein forms D101G, D114G, D118G, D183G, D187G.
Identifiers: ClinVar variation 3224339 (VCV003224339.2), dbSNP rs1170480760, ClinGen allele CA374228429.

ClinVar aggregate classification (germline): Uncertain significance. Review status: criteria provided, multiple submitters, no conflicts (2 of 4 stars). 2 submissions from 2 submitters: Uncertain significance (2). Last evaluated 2025-06-20.

Conditions:
Familial thoracic aortic aneurysm and aortic dissection (TAAD). Also called: Thoracic aortic aneurysms and dissections. Identifiers: Orphanet 91387, MedGen C4707243, MONDO:0019625.

Allele frequency attached by ClinVar (database versions not stated): TOPMed below 0.00001; gnomAD 0.00001.
gnomAD v4.1: 1 of 1,614,050 alleles (0.000062%); highest among the groups gnomAD compares: Non-Finnish European, 0.000085%; no homozygotes.

Submissions (2):

GeneDx
Classification: Uncertain significance. Last evaluated: 2025-06-20. Review status: criteria provided, single submitter. Criteria: GeneDx Variant Classification Process June 2021. Collection method: clinical testing. Allele origin: germline. Affected: yes.
Comment: Not observed at significant frequency in large population cohorts (gnomAD); In silico analysis supports that this missense variant has a deleterious effect on protein structure/function; Has not been previously published as pathogenic or benign to our knowledge

Ambry Genetics
Classification: Uncertain significance for Familial thoracic aortic aneurysm and aortic dissection. Last evaluated: 2024-02-17. Review status: criteria provided, single submitter. Criteria: Ambry Variant Classification Scheme 2023. Collection method: clinical testing. Allele origin: germline.
Comment: The p.D183G variant (also known as c.548A>G), located in coding exon 3 of the TGFBR1 gene, results from an A to G substitution at nucleotide position 548. The aspartic acid at codon 183 is replaced by glycine, an amino acid with similar properties. This amino acid position is conserved. In addition, this alteration is predicted to be deleterious by in silico analysis. Based on the available evidence, the clinical significance of this alteration remains unclear.